The following is an entry in ClinVar:

ClinVar aggregate classification (germline): Uncertain significance. Review status: criteria provided, multiple submitters, no conflicts (2 of 4 stars). 2 submissions from 2 submitters: Uncertain significance (2). Last evaluated 2025-10-21.

Conditions:
Pyogenic arthritis-pyoderma gangrenosum-acne syndrome (PAPA). Also called: PAPA SYNDROME; FAMILIAL RECURRENT ARTHRITIS. Identifiers: Orphanet 69126, MedGen C1858361, MONDO:0011462, OMIM 604416.
Inborn genetic diseases. Identifiers: MedGen C0950123, MeSH D030342.

Allele frequency attached by ClinVar (database versions not stated): gnomAD 0.00001 and 0.00002; TOPMed 0.00001; 1000 Genomes Project 30x 0.00016; 1000 Genomes Project 0.00020.
gnomAD v4.1: 16 of 1,592,766 alleles (0.001%); highest among the groups gnomAD compares: Admixed American, 0.007%; no homozygotes.

Submissions (2):

Labcorp Genetics (formerly Invitae), Labcorp
Classification: Uncertain significance for Pyogenic arthritis-pyoderma gangrenosum-acne syndrome. Last evaluated: 2025-10-21. Review status: criteria provided, single submitter. Criteria: Invitae Variant Classification Sherloc (09022015). Collection method: clinical testing. Allele origin: germline.
Comment: This sequence change replaces glycine, which is neutral and non-polar, with arginine, which is basic and polar, at codon 317 of the PSTPIP1 protein (p.Gly317Arg). This variant is not present in population databases (gnomAD no frequency). This variant has not been reported in the literature in individuals affected with PSTPIP1-related conditions. ClinVar contains an entry for this variant (Variation ID: 1462108). Invitae Evidence Modeling of protein sequence and biophysical properties (such as structural, functional, and spatial information, amino acid conservation, physicochemical variation, residue mobility, and thermodynamic stability) indicates that this missense variant is not expected to disrupt PSTPIP1 protein function with a negative predictive value of 80%. In summary, the available evidence is currently insufficient to determine the role of this variant in disease. Therefore, it has been classified as a Variant of Uncertain Significance.

Ambry Genetics
Classification: Uncertain significance for Inborn genetic diseases. Last evaluated: 2025-06-03. Review status: criteria provided, single submitter. Criteria: Ambry Variant Classification Scheme 2023. Collection method: clinical testing. Allele origin: germline.

NM_003978.5(PSTPIP1):c.949G>A (p.Gly317Arg)

Gene: PSTPIP1 (proline-serine-threonine phosphatase interacting protein 1; plus strand). Cytogenetic location: 15q24.3.
Variant type: single nucleotide variant.
Coding change: c.949G>A on transcript NM_003978.5 (MANE Select); coding-DNA position 949, G replaced by A.
Protein change: p.Gly317Arg; replaces glycine 317 with arginine.
Molecular consequence: missense variant. On other transcripts: non-coding transcript variant (1).
Genome position (GRCh38, 1-based): chr15:77,035,527, G>A. VCF-style: chr15-77035527-G-A. GRCh37 (hg19) VCF-style: chr15-77327868-G-A.
Other names: c.949G>A (NM_003978.3); c.892G>A, p.Gly298Arg (NM_001321135.2); c.922G>A, p.Gly308Arg (NM_001321136.2); c.1144G>A, p.Gly382Arg (NM_001321137.1); short protein forms G382R, G298R, G317R, G308R.
Identifiers: ClinVar variation 1462108 (VCV001462108.9), dbSNP rs557172402, ClinGen allele CA273763636.